The following is an entry in ClinVar:

ClinVar aggregate classification (germline): Uncertain significance (1 of 4 stars; one submission).

Conditions:
Hereditary sensory and autonomic neuropathy type 6. Also called: HSAN VI; Neuropathy, hereditary sensory and autonomic, type VI. Identifiers: Orphanet 314381, MedGen C3539003, MONDO:0013839, OMIM 614653.
Epidermolysis bullosa simplex 3, localized or generalized intermediate, with BP230 deficiency (EBS3). Also called: Epidermolysis bullosa simplex due to BP230 deficiency; Epidermolysis bullosa simplex, autosomal recessive 2. Identifiers: Orphanet 412181, MedGen C3809470, MONDO:0014180, OMIM 615425.

Submission:

Labcorp Genetics (formerly Invitae), Labcorp
Classification: Uncertain significance for Epidermolysis bullosa simplex 3, localized or generalized intermediate, with BP230 deficiency; Hereditary sensory and autonomic neuropathy type 6. Last evaluated: 2020-02-18. Review status: criteria provided, single submitter. Criteria: Invitae Variant Classification Sherloc (09022015). Collection method: clinical testing. Allele origin: germline.
Comment: This variant has not been reported in the literature in individuals with DST-related conditions. This sequence change replaces glutamine with glutamic acid at codon 1167 of the DST protein (p.Gln1167Glu). The glutamine residue is moderately conserved and there is a small physicochemical difference between the two amino acids. The DST gene has multiple clinically relevant transcripts. This variant occurs in alternate transcript NM_015548.4, and corresponds to NM_001723.5:c.*3972C>G in the primary transcript. This variant is not present in population databases (ExAC no frequency). Experimental studies and prediction algorithms are not available or were not evaluated, and the functional significance of this variant is currently unknown. In summary, the available evidence is currently insufficient to determine the role of this variant in disease. Therefore, it has been classified as a Variant of Uncertain Significance.

NM_001374736.1(DST):c.5110C>G (p.Gln1704Glu)

Gene: DST (dystonin; minus strand). Cytogenetic location: 6p12.1.
Variant type: single nucleotide variant.
Coding change: c.5110C>G on transcript NM_001374736.1 (MANE Select); coding-DNA position 5110, C replaced by G.
Protein change: p.Gln1704Glu; replaces glutamine 1704 with glutamic acid.
Molecular consequence: missense variant.
Genome position (GRCh38, 1-based): chr6:56,611,545, G>C on the plus strand (C>G on the coding strand, the complement: DST is on the minus strand). VCF-style: chr6-56611545-G-C. GRCh37 (hg19) VCF-style: chr6-56476343-G-C.
Other names: c.5011C>G, p.Gln1671Glu (NM_001144769.5); c.4597C>G, p.Gln1533Glu (NM_001144770.2); c.5110C>G, p.Gln1704Glu (NM_001374722.1); c.4477C>G, p.Gln1493Glu (NM_001374729.1, NM_001374730.1, NM_001386100.1 and 1 more transcripts); c.5137C>G, p.Gln1713Glu (NM_001374734.1); c.3499C>G, p.Gln1167Glu (NM_015548.5); short protein forms Q1167E, Q1493E, Q1533E, Q1671E, Q1704E, Q1713E.
Identifiers: ClinVar variation 1003491 (VCV001003491.7), dbSNP rs2098544919, ClinGen allele CA364561459.